The following is an entry in ClinVar:

NM_004519.4(KCNQ3):c.38GCG[5] (p.Gly16dup)

Gene: KCNQ3 (potassium voltage-gated channel subfamily Q member 3; minus strand). Cytogenetic location: 8q24.22.
Variant type: Microsatellite.
Coding change: c.38GCG[5] on transcript NM_004519.4 (MANE Select); five copies in a row of the 3-base unit GCG starting at c.38; the reference has four copies in a row; one copy, 3 bases duplicated.
Protein change: p.Gly16dup; duplicates glycine 16.
Molecular consequence: inframe insertion.
Genome position (GRCh38, 1-based): chr8:132,480,484-132,480,486, CGC duplicated on the plus strand (GCG on the coding strand, the reverse complement: KCNQ3 is on the minus strand); duplicating any 3 consecutive bases within chr8:132,480,484-132,480,496 gives the same sequence; the position shown is the placement nearest the transcript's 3' end. VCF-style (leftmost placement, unchanged base first): chr8-132480483-T-TCGC. GRCh37 (hg19) VCF-style: chr8-133492730-T-TCGC.
Identifiers: ClinVar variation 538549 (VCV000538549.14), dbSNP rs981093917, ClinGen allele CA186258334.

ClinVar aggregate classification (germline): Conflicting classifications of pathogenicity. Review status: criteria provided, conflicting classifications (1 of 4 stars). 3 submissions from 3 submitters: Likely pathogenic (1); Uncertain significance (2). Last evaluated 2025-04-27.

Conditions:
Benign neonatal seizures. Also called: Benign neonatal familial convulsions; Benign familial neonatal epilepsy; Convulsions benign familial neonatal dominant form; Autosomal dominant form of benign neonatal seizures; Benign familial neonatal seizures. Identifiers: Orphanet 1949, MedGen C0220669, MONDO:0016027.
Inborn genetic diseases. Identifiers: MedGen C0950123, MeSH D030342.

Submissions (3):

Labcorp Genetics (formerly Invitae), Labcorp
Classification: Likely pathogenic for Benign neonatal seizures. Last evaluated: 2025-04-27. Review status: criteria provided, single submitter. Criteria: Invitae Variant Classification Sherloc (09022015). Collection method: clinical testing. Allele origin: germline.
Comment: This variant, c.47_49dup, results in the insertion of 1 amino acid(s) of the KCNQ3 protein (p.Gly16dup), but otherwise preserves the integrity of the reading frame. This variant is not present in population databases (gnomAD no frequency). This variant has been observed in individuals with autosomal dominant KCNQ3-related conditions (internal data). ClinVar contains an entry for this variant (Variation ID: 538549). In summary, the currently available evidence indicates that the variant is pathogenic, but additional data are needed to prove that conclusively. Therefore, this variant has been classified as Likely Pathogenic.

GeneDx
Classification: Uncertain significance. Last evaluated: 2024-03-26. Review status: criteria provided, single submitter. Criteria: GeneDx Variant Classification Process June 2021. Collection method: clinical testing. Allele origin: germline. Affected: yes.
Comment: Not observed at significant frequency in large population cohorts (gnomAD); In-frame insertion of one amino acid in a repetitive region with no known function; Has not been previously published as pathogenic or benign to our knowledge

Ambry Genetics
Classification: Uncertain significance for Inborn genetic diseases. Last evaluated: 2021-06-08. Review status: criteria provided, single submitter. Criteria: Ambry Variant Classification Scheme 2023. Collection method: clinical testing. Allele origin: germline.
Comment: The c.47_49dupGCG (p.G16dup) alteration is located in exon 1 (coding exon 1) of the KCNQ3 gene. The alteration consists of an in-frame duplication of 3 nucleotides from position 47 to 49, resulting in the duplication of 1 residue. Based on insufficient or conflicting evidence, the clinical significance of this alteration remains unclear.